The following is an entry in ClinVar:

ClinVar aggregate classification (germline): Uncertain significance. Review status: criteria provided, multiple submitters, no conflicts (2 of 4 stars). 2 submissions from 2 submitters: Uncertain significance (2). Last evaluated 2025-08-02.

Conditions:
Inborn genetic diseases. Identifiers: MedGen C0950123, MeSH D030342.

Allele frequency attached by ClinVar (database versions not stated): gnomAD 0.00001 and 0.00003; TOPMed 0.00001; gnomAD exomes 0.00002; ExAC 0.00003; 1000 Genomes Project 30x 0.00031; 1000 Genomes Project 0.00040.
gnomAD v4.1: 43 of 1,611,644 alleles (0.0027%); highest among the groups gnomAD compares: South Asian, 0.042%; no homozygotes.

Submissions (2):

Ambry Genetics
Classification: Uncertain significance for Inborn genetic diseases. Last evaluated: 2025-08-02. Review status: criteria provided, single submitter. Criteria: Ambry Variant Classification Scheme 2023. Collection method: clinical testing. Allele origin: germline.

Labcorp Genetics (formerly Invitae), Labcorp
Classification: Uncertain significance. Last evaluated: 2022-11-22. Review status: criteria provided, single submitter. Criteria: Invitae Variant Classification Sherloc (09022015). Collection method: clinical testing. Allele origin: germline.
Comment: In summary, the available evidence is currently insufficient to determine the role of this variant in disease. Therefore, it has been classified as a Variant of Uncertain Significance. Algorithms developed to predict the effect of missense changes on protein structure and function are either unavailable or do not agree on the potential impact of this missense change (SIFT: "Deleterious"; PolyPhen-2: "Possibly Damaging"; Align-GVGD: "Class C0"). ClinVar contains an entry for this variant (Variation ID: 1421830). This variant has not been reported in the literature in individuals affected with GPR179-related conditions. This variant is present in population databases (rs537158734, gnomAD 0.02%). This sequence change replaces leucine, which is neutral and non-polar, with phenylalanine, which is neutral and non-polar, at codon 1697 of the GPR179 protein (p.Leu1697Phe).

NM_001004334.4(GPR179):c.5091G>C (p.Leu1697Phe)

Gene: GPR179 (G protein-coupled receptor 179; minus strand). Cytogenetic location: 17q12.
Variant type: single nucleotide variant.
Coding change: c.5091G>C on transcript NM_001004334.4 (MANE Select); coding-DNA position 5091, G replaced by C.
Protein change: p.Leu1697Phe; replaces leucine 1697 with phenylalanine.
Molecular consequence: missense variant.
Genome position (GRCh38, 1-based): chr17:38,328,478, C>G on the plus strand (G>C on the coding strand, the complement: GPR179 is on the minus strand). VCF-style: chr17-38328478-C-G. GRCh37 (hg19) VCF-style: chr17-36484361-C-G.
Other names: c.5091G>C (NM_001004334.2); short protein forms L1697F.
Identifiers: ClinVar variation 1421830 (VCV001421830.5), dbSNP rs537158734, ClinGen allele CA290103762.